The following is an entry in ClinVar:

ClinVar aggregate classification (germline): Uncertain significance (1 of 4 stars; one submission).

Conditions:
Inborn genetic diseases. Identifiers: MedGen C0950123, MeSH D030342.

Submission:

Ambry Genetics
Classification: Uncertain significance for Inborn genetic diseases. Last evaluated: 2023-12-24. Review status: criteria provided, single submitter. Criteria: Ambry Variant Classification Scheme 2023. Collection method: clinical testing. Allele origin: germline.
Comment: The p.A470D variant (also known as c.1409C>A), located in coding exon 6 of the ATR gene, results from a C to A substitution at nucleotide position 1409. The alanine at codon 470 is replaced by aspartic acid, an amino acid with dissimilar properties. This amino acid position is conserved. In addition, this alteration is predicted to be tolerated by in silico analysis. Since supporting evidence is limited at this time, the clinical significance of this alteration remains unclear.

NM_001184.4(ATR):c.1409C>A (p.Ala470Asp)

Gene: ATR (ATR checkpoint kinase; minus strand). Cytogenetic location: 3q23.
Variant type: single nucleotide variant.
Coding change: c.1409C>A on transcript NM_001184.4 (MANE Select); coding-DNA position 1409, C replaced by A.
Protein change: p.Ala470Asp; replaces alanine 470 with aspartic acid.
Molecular consequence: missense variant. On other transcripts: intron variant (1).
Genome position (GRCh38, 1-based): chr3:142,560,395, G>T on the plus strand (C>A on the coding strand, the complement: ATR is on the minus strand). VCF-style: chr3-142560395-G-T. GRCh37 (hg19) VCF-style: chr3-142279237-G-T.
Other names: c.1349+848C>A (NM_001354579.2); short protein forms A470D.
Identifiers: ClinVar variation 3221049 (VCV003221049.1), dbSNP rs1445735789, ClinGen allele CA354822955.